The following is an entry in ClinVar:

NM_032119.4(ADGRV1):c.17921C>G (p.Ala5974Gly)

Gene: ADGRV1 (adhesion G protein-coupled receptor V1; plus strand). Cytogenetic location: 5q14.3.
Variant type: single nucleotide variant.
Coding change: c.17921C>G on transcript NM_032119.4 (MANE Select); coding-DNA position 17921, C replaced by G.
Protein change: p.Ala5974Gly; replaces alanine 5974 with glycine.
Molecular consequence: missense variant. On other transcripts: non-coding transcript variant (1).
Genome position (GRCh38, 1-based): chr5:90,965,479, C>G. VCF-style: chr5-90965479-C-G. GRCh37 (hg19) VCF-style: chr5-90261296-C-G.
Other names: short protein forms A5974G.
Identifiers: ClinVar variation 1468097 (VCV001468097.4), dbSNP rs893468323, ClinGen allele CA122910434.

ClinVar aggregate classification (germline): Uncertain significance. Review status: criteria provided, multiple submitters, no conflicts (2 of 4 stars). 2 submissions from 2 submitters: Uncertain significance (2). Last evaluated 2022-06-27.

Allele frequency attached by ClinVar (database versions not stated): gnomAD exomes below 0.00001 and 0.00001; gnomAD 0.00001; TOPMed 0.00002.
gnomAD v4.1: 23 of 1,613,692 alleles (0.0014%); highest among the groups gnomAD compares: Non-Finnish European, 0.0019%; no homozygotes.

Submissions (2):

Blueprint Genetics
Classification: Uncertain significance. Last evaluated: 2022-06-27. Review status: criteria provided, single submitter. Criteria: ACMG Guidelines, 2015. Collection method: clinical testing. Allele origin: germline.

Labcorp Genetics (formerly Invitae), Labcorp
Classification: Uncertain significance. Last evaluated: 2021-11-23. Review status: criteria provided, single submitter. Criteria: Invitae Variant Classification Sherloc (09022015). Collection method: clinical testing. Allele origin: germline.
Comment: This sequence change replaces alanine, which is neutral and non-polar, with glycine, which is neutral and non-polar, at codon 5974 of the ADGRV1 protein (p.Ala5974Gly). This variant is present in population databases (no rsID available, gnomAD 0.0009%). This variant has not been reported in the literature in individuals affected with ADGRV1-related conditions. Algorithms developed to predict the effect of missense changes on protein structure and function are either unavailable or do not agree on the potential impact of this missense change (SIFT: "Tolerated"; PolyPhen-2: "Probably Damaging"; Align-GVGD: "Class C0"). In summary, the available evidence is currently insufficient to determine the role of this variant in disease. Therefore, it has been classified as a Variant of Uncertain Significance.